The following is an entry in ClinVar:

NM_000836.4(GRIN2D):c.2204G>C (p.Arg735Pro)

Gene: GRIN2D (glutamate ionotropic receptor NMDA type subunit 2D; plus strand). Cytogenetic location: 19q13.33.
Variant type: single nucleotide variant.
Coding change: c.2204G>C on transcript NM_000836.4 (MANE Select); coding-DNA position 2204, G replaced by C.
Protein change: p.Arg735Pro; replaces arginine 735 with proline.
Molecular consequence: missense variant.
Genome position (GRCh38, 1-based): chr19:48,421,897, G>C. VCF-style: chr19-48421897-G-C. GRCh37 (hg19) VCF-style: chr19-48925154-G-C.
Other names: short protein forms R735P.
Identifiers: ClinVar variation 1708819 (VCV001708819.2), dbSNP rs749130026, ClinGen allele CA406664084.

ClinVar aggregate classification (germline): Uncertain significance (1 of 4 stars; one submission).

Submission:

GeneDx
Classification: Uncertain significance. Last evaluated: 2023-02-07. Review status: criteria provided, single submitter. Criteria: GeneDx Variant Classification Process June 2021. Collection method: clinical testing. Allele origin: germline. Affected: yes.
Comment: Not observed at significant frequency in large population cohorts (gnomAD); In silico analysis supports that this missense variant has a deleterious effect on protein structure/function; Has not been previously published as pathogenic or benign to our knowledge